The following is an entry in ClinVar:

ClinVar aggregate classification (germline): Likely pathogenic (1 of 4 stars; one submission).

Submission:

Mayo Clinic Laboratories, Mayo Clinic
Classification: Likely pathogenic. Last evaluated: 2024-04-02. Review status: criteria provided, single submitter. Criteria: ACMG Guidelines, 2015. Collection method: clinical testing. Allele origin: germline. Observed: 1 variant allele.
Comment: PM2_moderate, PVS1

NM_000342.4(SLC4A1):c.1030_1041delinsGG (p.Arg344fs)

Gene: SLC4A1 (solute carrier family 4 member 1 (Diego blood group); minus strand). Cytogenetic location: 17q21.31.
Variant type: Indel.
Coding change: c.1030_1041delinsGG on transcript NM_000342.4 (MANE Select); coding-DNA positions 1030 to 1041, CGAAGGCGCTAT replaced by GG.
Protein change: p.Arg344fs; shifts the reading frame from arginine 344.
Molecular consequence: frameshift variant.
Genome position (GRCh38, 1-based): chr17:44,258,459-44,258,470, ATAGCGCCTTCG replaced by CC on the plus strand (CGAAGGCGCTAT replaced by GG on the coding strand, the reverse complement: SLC4A1 is on the minus strand). VCF-style: chr17-44258459-ATAGCGCCTTCG-CC. GRCh37 (hg19) VCF-style: chr17-42335827-ATAGCGCCTTCG-CC.
Other names: p.Arg344Glyfs*16; short protein forms R344fs.
Identifiers: ClinVar variation 3381164 (VCV003381164.1).